The following is an entry in ClinVar:

ClinVar aggregate classification (germline): Likely pathogenic (1 of 4 stars; one submission).

Conditions:
Leber congenital amaurosis (LCA). Also called: Leber's amaurosis. Identifiers: Orphanet 65, MedGen C0339527, MeSH D057130, MONDO:0018998.

gnomAD v4.1: 4 of 1,562,616 alleles (0.00026%); highest among the groups gnomAD compares: Non-Finnish European, 0.00018%; no homozygotes.

Submission:

Natera, Inc.
Classification: Likely pathogenic for Leber congenital amaurosis. Last evaluated: 2024-07-22. Review status: criteria provided, single submitter. Criteria: Natera Variant Classification Schema (03/2026). Collection method: clinical testing. Allele origin: germline.
Comment: The c.7171C>T variant in CEP290 is a nonsense variant predicted to introduce a stop codon at amino acid 2391. This variant is expected to result in nonsense mediated decay, truncation, or a dysfunctional protein product. This variant is rare in the general population with a frequency below the threshold expected for the associated phenotype(s). Given the available evidence, this variant is classified as Likely Pathogenic.

NM_025114.4(CEP290):c.7171C>T (p.Gln2391Ter)

Gene: CEP290 (centrosomal protein 290; minus strand). Cytogenetic location: 12q21.32.
Variant type: single nucleotide variant.
Coding change: c.7171C>T on transcript NM_025114.4 (MANE Select); coding-DNA position 7171, C replaced by T.
Protein change: p.Gln2391Ter; replaces glutamine 2391 with a stop codon.
Molecular consequence: nonsense.
Genome position (GRCh38, 1-based): chr12:88,050,392, G>A on the plus strand (C>T on the coding strand, the complement: CEP290 is on the minus strand). VCF-style: chr12-88050392-G-A. GRCh37 (hg19) VCF-style: chr12-88444169-G-A.
Other names: short protein forms Q2391*.
Identifiers: ClinVar variation 4816239 (VCV004816239.1).